The following is an entry in ClinVar:

NM_003896.4(ST3GAL5):c.493C>T (p.Arg165Trp)

Gene: ST3GAL5 (ST3 beta-galactoside alpha-2,3-sialyltransferase 5; minus strand). Cytogenetic location: 2p11.2.
Variant type: single nucleotide variant.
Coding change: c.493C>T on transcript NM_003896.4 (MANE Select); coding-DNA position 493, C replaced by T.
Protein change: p.Arg165Trp; replaces arginine 165 with tryptophan.
Molecular consequence: missense variant. On other transcripts: 5 prime UTR variant (1).
Genome position (GRCh38, 1-based): chr2:85,848,030, G>A on the plus strand (C>T on the coding strand, the complement: ST3GAL5 is on the minus strand). VCF-style: chr2-85848030-G-A. GRCh37 (hg19) VCF-style: chr2-86075153-G-A.
Other names: c.424C>T, p.Arg142Trp (NM_001042437.2); c.109C>T, p.Arg37Trp (NM_001354223.2, NM_001354224.2, NM_001354226.2 and 3 more transcripts); c.409C>T, p.Arg137Trp (NM_001354227.2, NM_001354229.2, NM_001354238.1); c.-412C>T (NM_001354247.1); c.493C>T, p.Arg165Trp (NM_001363847.1); short protein forms R37W, R137W, R142W, R165W.
Identifiers: ClinVar variation 2069789 (VCV002069789.1), dbSNP rs779337797, ClinGen allele CA1745030.

ClinVar aggregate classification (germline): Uncertain significance (1 of 4 stars; one submission).

Conditions:
GM3 synthase deficiency (SPDRS). Also called: SALT AND PEPPER DEVELOPMENTAL REGRESSION SYNDROME; SALT AND PEPPER MENTAL RETARDATION SYNDROME; AMISH INFANTILE EPILEPSY SYNDROME. Identifiers: Orphanet 171714, Orphanet 370933, MedGen C1836824, MONDO:0018274, OMIM 609056.

Allele frequency attached by ClinVar (database versions not stated): ExAC 0.00001; gnomAD exomes 0.00001; TOPMed 0.00001.
gnomAD v4.1: 14 of 1,614,088 alleles (0.00087%); highest among the groups gnomAD compares: Admixed American, 0.0033%; no homozygotes.

Submission:

Labcorp Genetics (formerly Invitae), Labcorp
Classification: Uncertain significance for GM3 synthase deficiency. Last evaluated: 2022-03-13. Review status: criteria provided, single submitter. Criteria: Invitae Variant Classification Sherloc (09022015). Collection method: clinical testing. Allele origin: germline.
Comment: This sequence change replaces arginine, which is basic and polar, with tryptophan, which is neutral and slightly polar, at codon 165 of the ST3GAL5 protein (p.Arg165Trp). This variant is present in population databases (rs779337797, gnomAD 0.003%). This variant has not been reported in the literature in individuals affected with ST3GAL5-related conditions. Algorithms developed to predict the effect of missense changes on protein structure and function are either unavailable or do not agree on the potential impact of this missense change (SIFT: "Deleterious"; PolyPhen-2: "Benign"; Align-GVGD: "Class C35"). In summary, the available evidence is currently insufficient to determine the role of this variant in disease. Therefore, it has been classified as a Variant of Uncertain Significance.